The following is an entry in ClinVar:

NM_000257.4(MYH7):c.3158G>T (p.Arg1053Leu)

Gene: MYH7 (myosin heavy chain 7; minus strand). Cytogenetic location: 14q11.2.
Variant type: single nucleotide variant.
Coding change: c.3158G>T on transcript NM_000257.4 (MANE Select); coding-DNA position 3158, G replaced by T.
Protein change: p.Arg1053Leu; replaces arginine 1053 with leucine.
Molecular consequence: missense variant.
Genome position (GRCh38, 1-based): chr14:23,422,267, C>A on the plus strand (G>T on the coding strand, the complement: MYH7 is on the minus strand). VCF-style: chr14-23422267-C-A. GRCh37 (hg19) VCF-style: chr14-23891476-C-A.
Other names: c.3158G>T, p.Arg1053Leu (NM_001407004.1); short protein forms R1053L.
Identifiers: ClinVar variation 3072044 (VCV003072044.1), dbSNP rs587782962, ClinGen allele CA389045348.

ClinVar aggregate classification (germline): Uncertain significance (1 of 4 stars; one submission).

Conditions:
Cardiomyopathy (CMYO). Also called: Cardiomyopathies. Identifiers: Orphanet 167848, MedGen C0878544, MONDO:0004994, HP:0001638. Inheritance: Various modes of inheritance.

Submission:

All of Us Research Program, National Institutes of Health
Classification: Uncertain significance for Cardiomyopathy. Last evaluated: 2023-06-26. Review status: criteria provided, single submitter. Criteria: ACMG Guidelines, 2015. Collection method: clinical testing. Allele origin: germline. Inheritance: Autosomal dominant inheritance. Observed: 1 variant allele, 1 heterozygote.
Comment: This missense variant replaces arginine with leucine at codon 1053 of the MYH7 protein. Computational prediction suggests that this variant may have a deleterious impact on protein structure and function (internally defined REVEL score threshold >= 0.7, PMID: 27666373). To our knowledge, functional studies have not been reported for this variant. This variant has not been reported in individuals affected with MYH7-related disorders in the literature. This variant has not been identified in the general population by the Genome Aggregation Database (gnomAD). A different variant affecting the same codon, p.Arg1053Gln, is considered to be disease-causing (ClinVar variation ID: 155814), suggesting that arginine at this position is important for MYH7 protein function. The available evidence is insufficient to determine the role of this variant in disease conclusively. Therefore, this variant is classified as a Variant of Uncertain Significance.

This study involves interpretation of variants in research participants for the purpose of population health screening. Participant phenotype was not available at the time of variant classification. Additional details can be found in publication PMID: 35346344, PMCID: PMC8962531